The following is an entry in ClinVar:

ClinVar aggregate classification (germline): Pathogenic. Review status: criteria provided, multiple submitters, no conflicts (2 of 4 stars). 3 submissions from 3 submitters: Pathogenic (3). Last evaluated 2024-03-22.

Conditions:
Developmental and epileptic encephalopathy, 43 (DEE43). Also called: Epileptic encephalopathy, early infantile, 43. Identifiers: MedGen C4310712, MONDO:0014921, OMIM 617113.
Epilepsy, childhood absence, susceptibility to, 5. Identifiers: Orphanet 64280, MedGen C2677087, MONDO:0012843, OMIM 612269.
Epilepsy, childhood absence, susceptibility to, 1. Also called: Epilepsy, childhood absence 1. Identifiers: Orphanet 64280, MedGen C1838604, MONDO:0020759, OMIM 600131.

gnomAD v4.1: 1 of 1,614,094 alleles (0.000062%); highest among the groups gnomAD compares: Non-Finnish European, 0.000085%; no homozygotes.

Submissions (3):

GeneDx
Classification: Pathogenic. Last evaluated: 2024-03-22. Review status: criteria provided, single submitter. Criteria: GeneDx Variant Classification Process June 2021. Collection method: clinical testing. Allele origin: germline. Affected: yes.
Comment: Nonsense variant predicted to result in protein truncation or nonsense mediated decay in a gene for which loss of function is a known mechanism of disease; Published functional studies demonstrate a damaging effect (PMID: 28053010); Not observed at significant frequency in large population cohorts (gnomAD); This variant is associated with the following publications: (PMID: 37621067, 28053010, HuangT2022[Review])

Labcorp Genetics (formerly Invitae), Labcorp
Classification: Pathogenic for Epilepsy, childhood absence, susceptibility to, 5; Epilepsy, childhood absence, susceptibility to, 1. Last evaluated: 2023-08-17. Review status: criteria provided, single submitter. Criteria: Invitae Variant Classification Sherloc (09022015). Collection method: clinical testing. Allele origin: germline.
Comment: For these reasons, this variant has been classified as Pathogenic. This sequence change creates a premature translational stop signal (p.Arg111*) in the GABRB3 gene. It is expected to result in an absent or disrupted protein product. Loss-of-function variants in GABRB3 are known to be pathogenic (PMID: 26950270, 28053010). This variant is not present in population databases (gnomAD no frequency). This premature translational stop signal has been observed in individual(s) with myotonic atonic epilepsy (PMID: 28053010). ClinVar contains an entry for this variant (Variation ID: 653036). Algorithms developed to predict the effect of sequence changes on RNA splicing suggest that this variant may disrupt the consensus splice site.

3billion
Classification: Pathogenic for Developmental and epileptic encephalopathy, 43. Last evaluated: 2023-02-23. Review status: criteria provided, single submitter. Criteria: ACMG Guidelines, 2015. Collection method: clinical testing. Allele origin: unknown. Affected: yes.
Comment: The variant is not observed in the gnomAD v2.1.1 dataset. This variant was predicted to result in a loss or disruption of normal protein function through nonsense-mediated decay (NMD) or protein truncation. Multiple pathogenic variants are reported downstream of the variant. The variant has been reported to be associated with GABRB3 related disorder (ClinVar ID: VCV000653036 / PMID: 28053010). Therefore, this variant is classified as Pathogenic according to the recommendation of ACMG/AMP guideline.

Literature cited by the submitters: PubMed 26950270 (cited by Labcorp Genetics (formerly Invitae), Labcorp); PubMed 28053010 (cited by Labcorp Genetics (formerly Invitae), Labcorp and 3billion).

NM_000814.6(GABRB3):c.331C>T (p.Arg111Ter)

Gene: GABRB3 (gamma-aminobutyric acid type A receptor subunit beta3; minus strand). Cytogenetic location: 15q12.
Variant type: single nucleotide variant.
Coding change: c.331C>T on transcript NM_000814.6 (MANE Select); coding-DNA position 331, C replaced by T.
Protein change: p.Arg111Ter; replaces arginine 111 with a stop codon.
Molecular consequence: nonsense. On other transcripts: non-coding transcript variant (1).
Genome position (GRCh38, 1-based): chr15:26,621,444, G>A on the plus strand (C>T on the coding strand, the complement: GABRB3 is on the minus strand). VCF-style: chr15-26621444-G-A. GRCh37 (hg19) VCF-style: chr15-26866591-G-A.
Other names: c.76C>T, p.Arg26Ter (NM_001191320.2, NM_001278631.2); c.118C>T, p.Arg40Ter (NM_001191321.3); c.331C>T, p.Arg111Ter (NM_021912.5); short protein forms R26*, R111*, R40*.
Identifiers: ClinVar variation 653036 (VCV000653036.12), dbSNP rs942355738, ClinGen allele CA268161499.